The following is an entry in ClinVar:

NM_001244008.2(KIF1A):c.5216C>T (p.Thr1739Ile)

Gene: KIF1A (kinesin family member 1A; minus strand). Cytogenetic location: 2q37.3.
Variant type: single nucleotide variant.
Coding change: c.5216C>T on transcript NM_001244008.2 (MANE Select); coding-DNA position 5216, C replaced by T.
Protein change: p.Thr1739Ile; replaces threonine 1739 with isoleucine.
Molecular consequence: missense variant.
Genome position (GRCh38, 1-based): chr2:240,718,167, G>A on the plus strand (C>T on the coding strand, the complement: KIF1A is on the minus strand). VCF-style: chr2-240718167-G-A. GRCh37 (hg19) VCF-style: chr2-241657584-G-A.
Other names: c.4940C>T, p.Thr1647Ile (NM_001320705.2, NM_001379649.1); c.4967C>T, p.Thr1656Ile (NM_001330289.2); c.5015C>T, p.Thr1672Ile (NM_001330290.2, NM_001379648.1); c.5291C>T, p.Thr1764Ile (NM_001379631.1); c.5192C>T, p.Thr1731Ile (NM_001379632.1); c.5189C>T, p.Thr1730Ile (NM_001379633.1, NM_001379645.1); c.5042C>T, p.Thr1681Ile (NM_001379634.1); c.5039C>T, p.Thr1680Ile (NM_001379635.1, NM_001379646.1); and 8 more; short protein forms T1626I, T1637I, T1638I, T1646I, T1647I, T1655I, T1656I, T1663I.
Identifiers: ClinVar variation 996858 (VCV000996858.8), dbSNP rs371267255, ClinGen allele CA68131937.
Genomic context (GRCh38, chr2:240,718,167, plus strand): 5'-TCGCTGGCGGCCTGCAGCAGGATGCCGCGGTGTTCCGTGCACACCGCGAATGTGTTGGGT[G>A]TCTGCAGAGGGAGGCAGCTGGTGAGGAGGTGCCAGGCTCCGTGGTCAGCACACCACCCTC-3'
Protein context (NP_001230937.1, residues 1729-1749): YSEDQQAMLK[Thr1739Ile]PNTFAVCTEH

ClinVar aggregate classification (germline): Uncertain significance. Review status: criteria provided, multiple submitters, no conflicts (2 of 4 stars). 2 submissions from 2 submitters: Uncertain significance (2). Last evaluated 2022-11-23.

Conditions:
Intellectual disability, autosomal dominant 9 (NESCAVS). Also called: KIF1A-Related Neurodevelopmental Disorder; NESCAV SYNDROME. Identifiers: Orphanet 662367, MedGen C5393830, MONDO:0013656, OMIM 614255.
Neuropathy, hereditary sensory, type 2C. Also called: Hereditary sensory and autonomic neuropathy type IIC; KIF1A-Related HSAN2 (HSAN2C). Identifiers: Orphanet 970, MedGen C3280168, MONDO:0013634, OMIM 614213.
Hereditary spastic paraplegia 30. Identifiers: Orphanet 101010, MedGen C5235139, MONDO:0012476.

Allele frequency attached by ClinVar (database versions not stated): gnomAD exomes below 0.00001 and 0.00001; TOPMed below 0.00001; gnomAD 0.00001; ESP Exome Variant Server 0.00008.
gnomAD v4.1: 13 of 1,595,426 alleles (0.00081%); highest among the groups gnomAD compares: African/African-American, 0.0013%; no homozygotes.

Submissions (2):

Labcorp Genetics (formerly Invitae), Labcorp
Classification: Uncertain significance for Hereditary spastic paraplegia 30; Neuropathy, hereditary sensory, type 2C; Intellectual disability, autosomal dominant 9. Last evaluated: 2022-11-23. Review status: criteria provided, single submitter. Criteria: Invitae Variant Classification Sherloc (09022015). Collection method: clinical testing. Allele origin: germline.
Comment: This variant is present in population databases (rs371267255, gnomAD 0.002%). In summary, the available evidence is currently insufficient to determine the role of this variant in disease. Therefore, it has been classified as a Variant of Uncertain Significance. Algorithms developed to predict the effect of missense changes on protein structure and function (SIFT, PolyPhen-2, Align-GVGD) all suggest that this variant is likely to be tolerated. ClinVar contains an entry for this variant (Variation ID: 996858). This missense change has been observed in individual(s) with clinical features of hereditary spastic paraplegia (Invitae). This sequence change replaces threonine, which is neutral and polar, with isoleucine, which is neutral and non-polar, at codon 1638 of the KIF1A protein (p.Thr1638Ile).

New York Genome Center
Classification: Uncertain significance for Intellectual disability, autosomal dominant 9. Last evaluated: 2019-09-10. Review status: criteria provided, single submitter. Criteria: NYGC Assertion Criteria 2020. Collection method: clinical testing. Allele origin: maternal. Inheritance: Autosomal dominant inheritance. Observed: 1 heterozygote. Study: CSER-NYCKidSeq. Segregation with disease not observed.